The following is an entry in ClinVar:

ClinVar aggregate classification (germline): Uncertain significance (1 of 4 stars; one submission).

Submission:

Ambry Genetics
Classification: Uncertain significance. Last evaluated: 2026-04-28. Review status: criteria provided, single submitter. Criteria: Ambry Variant Classification Scheme 2023. Collection method: clinical testing. Allele origin: germline.
Comment: The p.G236C variant (also known as c.706G>T), located in coding exon 1 of the MC1R gene, results from a G to T substitution at nucleotide position 706. The glycine at codon 236 is replaced by cysteine, an amino acid with highly dissimilar properties. This amino acid position is conserved. In addition, this alteration is predicted to be tolerated by in silico analysis. Based on the available evidence, the clinical significance of this variant remains unclear.

NM_002386.4(MC1R):c.706G>T (p.Gly236Cys)

Gene: MC1R (melanocortin 1 receptor; plus strand). Cytogenetic location: 16q24.3.
Variant type: single nucleotide variant.
Coding change: c.706G>T on transcript NM_002386.4 (MANE Select); coding-DNA position 706, G replaced by T.
Protein change: p.Gly236Cys; replaces glycine 236 with cysteine.
Molecular consequence: missense variant.
Genome position (GRCh38, 1-based): chr16:89,919,964, G>T. VCF-style: chr16-89919964-G-T. GRCh37 (hg19) VCF-style: chr16-89986372-G-T.
Other names: short protein forms G236C.
Identifiers: ClinVar variation 4859666 (VCV004859666.1).